The following is an entry in ClinVar:

ClinVar aggregate classification (germline): Uncertain significance. Review status: criteria provided, multiple submitters, no conflicts (2 of 4 stars). 2 submissions from 2 submitters: Uncertain significance (2). Last evaluated 2025-07-01.

Conditions:
Catecholaminergic polymorphic ventricular tachycardia 1. Also called: VENTRICULAR TACHYCARDIA, CATECHOLAMINERGIC POLYMORPHIC, 1, WITH OR WITHOUT ATRIAL DYSFUNCTION AND/OR DILATED CARDIOMYOPATHY; VENTRICULAR TACHYCARDIA, STRESS-INDUCED POLYMORPHIC 1; RYR2-Related Catecholaminergic Polymorphic Ventricular Tachycardia. Identifiers: Orphanet 3286, MedGen C1631597, MONDO:0011484, OMIM 604772.
Cardiovascular phenotype. Identifiers: MedGen CN230736.

Submissions (2):

Ambry Genetics
Classification: Uncertain significance for Cardiovascular phenotype. Last evaluated: 2025-07-01. Review status: criteria provided, single submitter. Criteria: Ambry Variant Classification Scheme 2023. Collection method: clinical testing. Allele origin: germline.
Comment: The c.221C>T (p.S74F) alteration is located in exon 3 (coding exon 3) of the RYR2 gene. This alteration results from a C to T substitution at nucleotide position 221, causing the serine (S) at amino acid position 74 to be replaced by a phenylalanine (F). This variant was not reported in population-based cohorts in the Genome Aggregation Database (gnomAD). This amino acid position is highly conserved in available vertebrate species. This alteration is predicted to be deleterious by in silico analysis. Based on insufficient or conflicting evidence, the clinical significance of this alteration remains unclear.

Labcorp Genetics (formerly Invitae), Labcorp
Classification: Uncertain significance for Catecholaminergic polymorphic ventricular tachycardia 1. Last evaluated: 2024-08-27. Review status: criteria provided, single submitter. Criteria: Invitae Variant Classification Sherloc (09022015). Collection method: clinical testing. Allele origin: germline.
Comment: This sequence change replaces serine, which is neutral and polar, with phenylalanine, which is neutral and non-polar, at codon 74 of the RYR2 protein (p.Ser74Phe). This variant is not present in population databases (gnomAD no frequency). This variant has not been reported in the literature in individuals affected with RYR2-related conditions. Invitae Evidence Modeling of protein sequence and biophysical properties (such as structural, functional, and spatial information, amino acid conservation, physicochemical variation, residue mobility, and thermodynamic stability) indicates that this missense variant is expected to disrupt RYR2 protein function with a positive predictive value of 95%. In summary, the available evidence is currently insufficient to determine the role of this variant in disease. Therefore, it has been classified as a Variant of Uncertain Significance.

NM_001035.3(RYR2):c.221C>T (p.Ser74Phe)

Gene: RYR2 (ryanodine receptor 2; plus strand). Cytogenetic location: 1q43.
Variant type: single nucleotide variant.
Coding change: c.221C>T on transcript NM_001035.3 (MANE Select); coding-DNA position 221, C replaced by T.
Protein change: p.Ser74Phe; replaces serine 74 with phenylalanine.
Molecular consequence: missense variant.
Genome position (GRCh38, 1-based): chr1:237,330,930, C>T. VCF-style: chr1-237330930-C-T. GRCh37 (hg19) VCF-style: chr1-237494230-C-T.
Other names: c.221C>T (NM_001035.2); short protein forms S74F.
Identifiers: ClinVar variation 3669325 (VCV003669325.3).
Genomic context (GRCh38, chr1:237,330,930, plus strand): 5'-CTGTGCAGAATGTGCCCCCAGACCTCTCCATCTGCACCTTTGTGCTGGAGCAGTCCCTCT[C>T]TGTCCGGGCGCTGCAGGAGATGCTGGCTAACACCGTGGAGAAATCAGAAGGGGCAAGTAC-3'
Protein context (NP_001026.2, residues 64-84): ICTFVLEQSL[Ser74Phe]VRALQEMLAN